The following is an entry in ClinVar:

NM_000465.4(BARD1):c.14G>C (p.Arg5Pro)

Gene: BARD1 (BRCA1 associated RING domain 1; minus strand). Cytogenetic location: 2q35.
Variant type: single nucleotide variant.
Coding change: c.14G>C on transcript NM_000465.4 (MANE Select); coding-DNA position 14, G replaced by C.
Protein change: p.Arg5Pro; replaces arginine 5 with proline.
Molecular consequence: missense variant. On other transcripts: non-coding transcript variant (3).
Genome position (GRCh38, 1-based): chr2:214,809,556, C>G on the plus strand (G>C on the coding strand, the complement: BARD1 is on the minus strand). VCF-style: chr2-214809556-C-G. GRCh37 (hg19) VCF-style: chr2-215674280-C-G.
Other names: c.14G>C, p.Arg5Pro (NM_001282543.2, NM_001282545.2, NM_001282548.2 and 1 more transcripts); short protein forms R5P.
Identifiers: ClinVar variation 142489 (VCV000142489.9), dbSNP rs587782499, ClinGen allele CA168497.

ClinVar aggregate classification (germline): Uncertain significance. Review status: criteria provided, multiple submitters, no conflicts (2 of 4 stars). 2 submissions from 2 submitters: Uncertain significance (2). Last evaluated 2024-03-06.

Conditions:
Hereditary cancer-predisposing syndrome. Also called: Hereditary Cancer Syndrome; Neoplastic Syndromes, Hereditary; Hereditary neoplastic syndrome; Tumor predisposition. Identifiers: Orphanet 140162, MedGen C0027672, MeSH D009386, MONDO:0015356.

Submissions (2):

Color Diagnostics, LLC DBA Color Health
Classification: Uncertain significance for Hereditary cancer-predisposing syndrome. Last evaluated: 2024-03-06. Review status: criteria provided, single submitter. Criteria: ACMG Guidelines, 2015. Collection method: clinical testing. Allele origin: germline.
Comment: This missense variant replaces arginine with proline at codon 5 of the BARD1 protein. Computational prediction tool suggests that this variant may not impact protein structure and function (internally defined REVEL score threshold <=0.5, PMID: 27666373). To our knowledge, functional studies have not been performed for this variant. This variant has not been reported in individuals affected with hereditary cancer in the literature. This variant has not been identified in the general population by the Genome Aggregation Database (gnomAD). The available evidence is insufficient to determine the role of this variant in disease conclusively. Therefore, this variant is classified as a Variant of Uncertain Significance.

Ambry Genetics
Classification: Uncertain significance for Hereditary cancer-predisposing syndrome. Last evaluated: 2024-01-16. Review status: criteria provided, single submitter. Criteria: Ambry Variant Classification Scheme 2023. Collection method: clinical testing. Allele origin: germline.
Comment: The p.R5P variant (also known as c.14G>C), located in coding exon 1 of the BARD1 gene, results from a G to C substitution at nucleotide position 14. The arginine at codon 5 is replaced by proline, an amino acid with dissimilar properties. This amino acid position is not well conserved in available vertebrate species. In addition, this alteration is predicted to be tolerated by in silico analysis. Since supporting evidence is limited at this time, the clinical significance of this alteration remains unclear.